The following is an entry in ClinVar:

NM_000384.3(APOB):c.8740T>A (p.Leu2914Met)

Gene: APOB (apolipoprotein B; minus strand). Cytogenetic location: 2p24.1.
Variant type: single nucleotide variant.
Coding change: c.8740T>A on transcript NM_000384.3 (MANE Select); coding-DNA position 8740, T replaced by A.
Protein change: p.Leu2914Met; replaces leucine 2914 with methionine.
Molecular consequence: missense variant.
Genome position (GRCh38, 1-based): chr2:21,008,128, A>T on the plus strand (T>A on the coding strand, the complement: APOB is on the minus strand). VCF-style: chr2-21008128-A-T. GRCh37 (hg19) VCF-style: chr2-21231000-A-T.
Other names: short protein forms L2914M.
Identifiers: ClinVar variation 3759514 (VCV003759514.2), dbSNP rs1663201069.

ClinVar aggregate classification (germline): Uncertain significance (1 of 4 stars; one submission).

Conditions:
Familial hypobetalipoproteinemia 1. Also called: APOB-Related Familial Hypobetalipoproteinemia; Hypobetalipoproteinemia, normotriglyceridemic; Acanthocytosis with hypobetalipoproteinemia. Identifiers: MedGen C4551990, MONDO:0014252, OMIM 615558.
Hypercholesterolemia, autosomal dominant, type B (FHCL2). Also called: Familial Hypercholesterolemia Type B; APOLIPOPROTEIN B-100, FAMILIAL DEFECTIVE; APOLIPOPROTEIN B-100, FAMILIAL LIGAND-DEFECTIVE; HYPERCHOLESTEROLEMIA, FAMILIAL, DUE TO LIGAND-DEFECTIVE APOLIPOPROTEIN B; Hyperlipoproteinemia Type IIb; Familial hypercholesterolemia 2. Identifiers: MedGen C1704417, MONDO:0007751, OMIM 144010.

Submission:

Labcorp Genetics (formerly Invitae), Labcorp
Classification: Uncertain significance for Familial hypobetalipoproteinemia 1; Hypercholesterolemia, autosomal dominant, type B. Last evaluated: 2024-09-27. Review status: criteria provided, single submitter. Criteria: Invitae Variant Classification Sherloc (09022015). Collection method: clinical testing. Allele origin: germline.
Comment: This sequence change replaces leucine, which is neutral and non-polar, with methionine, which is neutral and non-polar, at codon 2914 of the APOB protein (p.Leu2914Met). This variant is not present in population databases (gnomAD no frequency). This variant has not been reported in the literature in individuals affected with APOB-related conditions. Invitae Evidence Modeling of protein sequence and biophysical properties (such as structural, functional, and spatial information, amino acid conservation, physicochemical variation, residue mobility, and thermodynamic stability) indicates that this missense variant is not expected to disrupt APOB protein function with a negative predictive value of 95%. In summary, the available evidence is currently insufficient to determine the role of this variant in disease. Therefore, it has been classified as a Variant of Uncertain Significance.